The following is an entry in ClinVar:

NM_014290.3(TDRD7):c.2344A>G (p.Met782Val)

Gene: TDRD7 (tudor domain containing 7; plus strand). Cytogenetic location: 9q22.33.
Variant type: single nucleotide variant.
Coding change: c.2344A>G on transcript NM_014290.3 (MANE Select); coding-DNA position 2344, A replaced by G.
Protein change: p.Met782Val; replaces methionine 782 with valine.
Molecular consequence: missense variant.
Genome position (GRCh38, 1-based): chr9:97,480,870, A>G. VCF-style: chr9-97480870-A-G. GRCh37 (hg19) VCF-style: chr9-100243152-A-G.
Other names: c.2122A>G, p.Met708Val (NM_001302884.2); short protein forms M782V, M708V.
Identifiers: ClinVar variation 2059988 (VCV002059988.4), dbSNP rs752597965, ClinGen allele CA5146915.
Genomic context (GRCh38, chr9:97,480,870, plus strand): 5'-ATCATATTTTCTTTTCAGGCCATTAAGTGCTGTTTAGCAGATCTTCCACAATCTATTGGC[A>G]TGTGGACACCAGATGCAGTGCTGTGGTTAAGAGATTCTGTTTTGAATTGCTCGGACTGTA-3'
Protein context (NP_055105.2, residues 772-792): CLADLPQSIG[Met782Val]WTPDAVLWLR

ClinVar aggregate classification (germline): Uncertain significance (1 of 4 stars; one submission).

Conditions:
Cataract 36. Identifiers: MedGen C3151304, MONDO:0013484, OMIM 613887.

Allele frequency attached by ClinVar (database versions not stated): gnomAD 0.00003.
gnomAD v4.1: 15 of 1,614,010 alleles (0.00093%); highest among the groups gnomAD compares: Admixed American, 0.012%; no homozygotes.

Submission:

Labcorp Genetics (formerly Invitae), Labcorp
Classification: Uncertain significance for Cataract 36. Last evaluated: 2022-05-16. Review status: criteria provided, single submitter. Criteria: Invitae Variant Classification Sherloc (09022015). Collection method: clinical testing. Allele origin: germline.
Comment: This sequence change replaces methionine, which is neutral and non-polar, with valine, which is neutral and non-polar, at codon 782 of the TDRD7 protein (p.Met782Val). This variant is present in population databases (rs752597965, gnomAD 0.009%). This variant has not been reported in the literature in individuals affected with TDRD7-related conditions. Algorithms developed to predict the effect of missense changes on protein structure and function output the following: SIFT: "Tolerated"; PolyPhen-2: "Benign"; Align-GVGD: "Class C0". The valine amino acid residue is found in multiple mammalian species, which suggests that this missense change does not adversely affect protein function. In summary, the available evidence is currently insufficient to determine the role of this variant in disease. Therefore, it has been classified as a Variant of Uncertain Significance.